The following is an entry in ClinVar:

NM_000245.4(MET):c.504G>T (p.Glu168Asp)

Gene: MET (MET proto-oncogene, receptor tyrosine kinase; plus strand). Cytogenetic location: 7q31.2.
Variant type: single nucleotide variant.
Coding change: c.504G>T on transcript NM_000245.4 (MANE Select); coding-DNA position 504, G replaced by T.
Protein change: p.Glu168Asp; replaces glutamic acid 168 with aspartic acid.
Molecular consequence: missense variant. On other transcripts: intron variant (1).
Genome position (GRCh38, 1-based): chr7:116,699,588, G>T. VCF-style: chr7-116699588-G-T. GRCh37 (hg19) VCF-style: chr7-116339642-G-T.
Other names: c.504G>T (NM_001127500.2); c.504G>T, p.Glu168Asp (NM_001127500.3, NM_001324401.3); c.-91+27011G>T (NM_001324402.2); short protein forms E168D.
Identifiers: ClinVar variation 41627 (VCV000041627.75), dbSNP rs55985569, ClinGen allele CA147098.

ClinVar aggregate classification (germline): Conflicting classifications of pathogenicity. Review status: criteria provided, conflicting classifications (1 of 4 stars). 25 submissions from 25 submitters: Uncertain significance (2); Benign (8); Likely benign (8). 7 of the submissions do not count toward it. Last evaluated 2026-08-01.

Conditions:
Autosomal recessive nonsyndromic hearing loss 97. Also called: Deafness, autosomal recessive 97. Identifiers: Orphanet 90636, MedGen C4084709, MONDO:0014739, OMIM 616705.
Hepatocellular carcinoma (HCC). Also called: Primary carcinoma of liver; HEPATOMA; LIVER CELL CARCINOMA. Identifiers: Orphanet 88673, MedGen C2239176, MONDO:0007256, OMIM 114550, HP:0001402.
Papillary renal cell carcinoma type 1 (RCCP1). Also called: RENAL CELL CARCINOMA, PAPILLARY, 1, SOMATIC; Renal adenocarcinoma; Renal cell carcinoma 1; Renal cell carcinoma, somatic. Identifiers: Orphanet 47044, MedGen C1336839, OMIM 605074, HP:0011797.
Osteofibrous dysplasia (OSFD). Also called: Tibia, bowing of, with pseudarthrosis and pectus excavatum. Identifiers: Orphanet 488265, MedGen C4085248, MONDO:0011806, OMIM 607278.
Arthrogryposis, distal, IIa 11. Also called: Arthrogryposis, distal, type 11. Identifiers: MedGen C5774205, MONDO:0031045, OMIM 620019.
Renal cell carcinoma. Identifiers: Orphanet 217071, MedGen C0007134, MeSH D002292, MONDO:0005086, HP:0005584.
Hereditary cancer-predisposing syndrome. Also called: Neoplastic Syndromes, Hereditary; Tumor predisposition; Hereditary Cancer Syndrome; Hereditary neoplastic syndrome. Identifiers: Orphanet 140162, MedGen C0027672, MeSH D009386, MONDO:0015356.

Allele frequency attached by ClinVar (database versions not stated): TOPMed 0.00505; 1000 Genomes Project 0.00260; gnomAD exomes 0.00372; ESP Exome Variant Server 0.00528; ExAC 0.00367; gnomAD 0.00393 and 0.00420; 1000 Genomes Project 30x 0.00234.
gnomAD v4.1: 10,512 of 1,613,976 alleles (0.65%); highest among the groups gnomAD compares: Non-Finnish European, 0.82%; 44 homozygotes.

Submissions (25):

CeGaT Center for Human Genetics Tuebingen
Classification: Likely benign. Last evaluated: 2026-08-01. Review status: criteria provided, single submitter. Criteria: CeGaT Center For Human Genetics Tuebingen Variant Classification Criteria Version 2. Collection method: clinical testing. Allele origin: germline. Affected: yes. Observed: 25 variant alleles.
Comment: MET: BP4, BS2

Labcorp Genetics (formerly Invitae), Labcorp
Classification: Benign for Renal cell carcinoma. Last evaluated: 2026-02-04. Review status: criteria provided, single submitter. Criteria: Invitae Variant Classification Sherloc (09022015). Collection method: clinical testing. Allele origin: germline.

Center for Genomic Medicine, Rigshospitalet, Copenhagen University Hospital
Classification: Uncertain significance. Last evaluated: 2025-12-29. Review status: criteria provided, single submitter. Criteria: ACMG Guidelines, 2015. Collection method: clinical testing. Allele origin: germline.

Dasa
Classification: Benign. Last evaluated: 2025-11-05. Review status: criteria provided, single submitter. Criteria: DASA Assertion Criteria. Collection method: clinical testing. Allele origin: germline.
Comment: NM_000245.4(MET):c.504G>T (p.Glu168Asp) is a missense variant that results in the substitution of glutamic acid with aspartic acid. Population frequency is inconsistent with a disease-causing role for this variant, and observations in unaffected individuals support a benign interpretation. Computational prediction algorithms are consistent with a benign effect. Therefore, based on the currently available evidence, this variant is classified as benign.

Blueprint Genetics
Classification: Likely benign. Last evaluated: 2024-11-20. Review status: criteria provided, single submitter. Criteria: ACMG Guidelines, 2015. Collection method: clinical testing. Allele origin: germline.

Myriad Genetics, Inc.
Classification: Likely benign for Papillary renal cell carcinoma type 1. Last evaluated: 2024-11-06. Review status: criteria provided, single submitter. Criteria: Myriad Autosomal Dominant, Autosomal Recessive and X-Linked Classification Criteria (2023). Collection method: clinical testing. Allele origin: unknown.
Comment: This variant is considered likely benign. This variant has been observed at a population frequency that is significantly greater than expected given the associated disease prevalence and penetrance.

ARUP Laboratories, Molecular Genetics and Genomics, ARUP Laboratories
Classification: Benign. Last evaluated: 2023-11-22. Review status: criteria provided, single submitter. Criteria: ARUP Molecular Germline Variant Investigation Process 2024. Collection method: clinical testing. Allele origin: germline.

Department of Pathology and Laboratory Medicine, Sinai Health System
Classification: Benign for Hepatocellular carcinoma; Papillary renal cell carcinoma type 1; Osteofibrous dysplasia; Autosomal recessive nonsyndromic hearing loss 97; Arthrogryposis, distal, IIa 11. Last evaluated: 2023-10-04. Review status: criteria provided, single submitter. Criteria: ACMG Guidelines, 2015. Collection method: clinical testing. Allele origin: germline. Affected: yes.

KCCC/NGS Laboratory, Kuwait Cancer Control Center
Classification: Benign for Papillary renal cell carcinoma type 1. Last evaluated: 2023-07-07. Review status: criteria provided, single submitter. Criteria: ACMG Guidelines, 2015. Collection method: clinical testing. Allele origin: germline. Affected: yes.

Institute for Clinical Genetics, University Hospital TU Dresden, University Hospital TU Dresden
Classification: Uncertain significance. Last evaluated: 2021-11-03. Review status: criteria provided, single submitter. Criteria: ACMG Guidelines, 2015. Collection method: clinical testing. Allele origin: germline.

Sema4
Classification: Benign for Hereditary cancer-predisposing syndrome. Last evaluated: 2020-10-24. Review status: criteria provided, single submitter. Criteria: Sema4 Curation Guidelines. Collection method: curation. Allele origin: germline.

Mendelics
Classification: Likely benign for Papillary renal cell carcinoma type 1. Last evaluated: 2019-05-28. Review status: criteria provided, single submitter. Criteria: Mendelics Assertion Criteria 2017. Collection method: clinical testing. Allele origin: unknown.

Ambry Genetics
Classification: Likely benign for Hereditary cancer-predisposing syndrome. Last evaluated: 2018-08-21. Review status: criteria provided, single submitter. Criteria: Ambry Variant Classification Scheme 2023. Collection method: clinical testing. Allele origin: germline.

GeneDx
Classification: Likely benign. Last evaluated: 2017-12-28. Review status: criteria provided, single submitter. Criteria: GeneDx Variant Classification (06012015). Collection method: clinical testing. Allele origin: germline. Affected: yes.
Comment: This variant is considered likely benign or benign based on one or more of the following criteria: it is a conservative change, it occurs at a poorly conserved position in the protein, it is predicted to be benign by multiple in silico algorithms, and/or has population frequency not consistent with disease.

Illumina Laboratory Services, Illumina
Classification: Likely benign for Papillary renal cell carcinoma type 1. Last evaluated: 2017-04-27. Review status: criteria provided, single submitter. Criteria: ICSL Variant Classification Criteria 13 December 2019. Collection method: clinical testing. Allele origin: germline.
Comment: This variant was observed as part of a predisposition screen in an ostensibly healthy population. A literature search was performed for the gene, cDNA change, and amino acid change (where applicable). Publications were found based on this search. The evidence from the literature, in combination with allele frequency data from public databases where available, was sufficient to determine this variant is unlikely to cause disease. Therefore, this variant is classified as likely benign.

Women's Health and Genetics/Laboratory Corporation of America, LabCorp
Classification: Benign. Last evaluated: 2016-08-18. Review status: criteria provided, single submitter. Criteria: LabCorp Variant Classification Summary - May 2015. Collection method: clinical testing. Allele origin: germline.
Comment: Variant summary: The MET c.504G>T (p.Glu168Asp) variant involves the alteration of a non-conserved nucleotide. 3/4 in silico tools predict a benign outcome for this variant (SNPs&GO not captured due to low reliability index). This variant was found in 441/120150 control chromosomes (1 homozygote) at a frequency of 0.0036704, which is approximately 2447 times the estimated maximal expected allele frequency of a pathogenic MET variant (0.0000015), suggesting this variant is likely a benign polymorphism. In addition, multiple clinical diagnostic laboratories/reputable databases classified this variant as benign/likely benign. Taken together, this variant is classified as benign.

Vantari Genetics
Classification: Likely benign for Hereditary cancer-predisposing syndrome. Last evaluated: 2016-01-22. Review status: criteria provided, single submitter. Criteria: ACMG Guidelines, 2015. Collection method: clinical testing. Allele origin: germline.

Eurofins Ntd Llc (ga)
Classification: Benign. Last evaluated: 2013-03-01. Review status: criteria provided, single submitter. Criteria: EGL Classification Definitions 2015. Collection method: clinical testing. Allele origin: germline. Observed: 2 variant alleles, 2 heterozygotes.

Genetic Services Laboratory, University of Chicago
Classification: Likely benign. Last evaluated: 2022-12-13. Review status: no assertion criteria provided. Collection method: clinical testing. Allele origin: germline. Affected: no. Not counted in ClinVar's aggregate classification.

ITMI
No classification provided. Condition: AllHighlyPenetrant. Last evaluated: 2013-09-19. Review status: no classification provided. Collection method: reference population. Allele origin: germline. Not counted in ClinVar's aggregate classification.
Comment: Please see associated publication for description of ethnicities

Biesecker Lab/Clinical Genomics Section, National Institutes of Health
Classification: Benign. Last evaluated: 2012-07-13. Review status: no assertion criteria provided. Collection method: research. Allele origin: germline. Affected: no. Observed: 9 variant alleles. Study: ClinSeq. Not counted in ClinVar's aggregate classification.
ClinVar note: Converted during submission from no known pathogenicity to Benign.

Clinical Genetics DNA and cytogenetics Diagnostics Lab, Erasmus MC, Erasmus Medical Center
Classification: Likely benign. Review status: no assertion criteria provided. Collection method: clinical testing. Allele origin: germline. Affected: yes. Study: VKGL Data-share Consensus. Not counted in ClinVar's aggregate classification.

Clinical Genetics, Academic Medical Center
Classification: Benign. Review status: no assertion criteria provided. Collection method: clinical testing. Allele origin: germline. Affected: yes. Study: VKGL Data-share Consensus. Not counted in ClinVar's aggregate classification.

Genome Diagnostics Laboratory, Amsterdam University Medical Center
Classification: Benign. Review status: no assertion criteria provided. Collection method: clinical testing. Allele origin: germline. Affected: yes. Study: VKGL Data-share Consensus. Not counted in ClinVar's aggregate classification.

Laboratory of Diagnostic Genome Analysis, Leiden University Medical Center (LUMC)
Classification: Likely benign. Review status: no assertion criteria provided. Collection method: clinical testing. Allele origin: germline. Affected: yes. Study: VKGL Data-share Consensus. Not counted in ClinVar's aggregate classification.

Literature cited by the submitters: PubMed 14559814 (cited by Ambry Genetics); PubMed 20949619 (cited by Ambry Genetics); PubMed 19318576 (cited by Illumina Laboratory Services, Illumina); PubMed 15735036 (cited by Illumina Laboratory Services, Illumina); PubMed 24728327 (cited by ITMI).